The following is an entry in ClinVar:

NM_000322.5(PRPH2):c.848T>C (p.Leu283Pro)

Gene: PRPH2 (peripherin 2; minus strand). Cytogenetic location: 6p21.1.
Variant type: single nucleotide variant.
Coding change: c.848T>C on transcript NM_000322.5 (MANE Select); coding-DNA position 848, T replaced by C.
Protein change: p.Leu283Pro; replaces leucine 283 with proline.
Molecular consequence: missense variant.
Genome position (GRCh38, 1-based): chr6:42,698,488, A>G on the plus strand (T>C on the coding strand, the complement: PRPH2 is on the minus strand). VCF-style: chr6-42698488-A-G. GRCh37 (hg19) VCF-style: chr6-42666226-A-G.
Other names: short protein forms L283P.
Identifiers: ClinVar variation 4801341 (VCV004801341.2).

ClinVar aggregate classification (germline): Uncertain significance. Review status: criteria provided, multiple submitters, no conflicts (2 of 4 stars). 2 submissions from 2 submitters: Uncertain significance (2). Last evaluated 2025-06-12.

Conditions:
PRPH2-related disorder. Also called: PRPH2-related condition; PRPH2-related disorders. Identifiers: MedGen CN239395.

Submissions (2):

Labcorp Genetics (formerly Invitae), Labcorp
Classification: Uncertain significance for PRPH2-related disorder. Last evaluated: 2025-06-12. Review status: criteria provided, single submitter. Criteria: Invitae Variant Classification Sherloc (09022015). Collection method: clinical testing. Allele origin: germline.
Comment: This sequence change replaces leucine, which is neutral and non-polar, with proline, which is neutral and non-polar, at codon 283 of the PRPH2 protein (p.Leu283Pro). This variant is not present in population databases (gnomAD no frequency). This variant has not been reported in the literature in individuals affected with PRPH2-related conditions. Invitae Evidence Modeling of protein sequence and biophysical properties (such as structural, functional, and spatial information, amino acid conservation, physicochemical variation, residue mobility, and thermodynamic stability) indicates that this missense variant is expected to disrupt PRPH2 protein function with a positive predictive value of 95%. In summary, the available evidence is currently insufficient to determine the role of this variant in disease. Therefore, it has been classified as a Variant of Uncertain Significance.

Blueprint Genetics
Classification: Uncertain significance. Last evaluated: 2022-11-15. Review status: criteria provided, single submitter. Criteria: ACMG Guidelines, 2015. Collection method: clinical testing. Allele origin: germline.